The following is an entry in ClinVar:

ClinVar aggregate classification (germline): Uncertain significance (1 of 4 stars; one submission).

Submission:

Labcorp Genetics (formerly Invitae), Labcorp
Classification: Uncertain significance. Last evaluated: 2024-02-02. Review status: criteria provided, single submitter. Criteria: Invitae Variant Classification Sherloc (09022015). Collection method: clinical testing. Allele origin: germline.
Comment: This sequence change replaces threonine, which is neutral and polar, with serine, which is neutral and polar, at codon 908 of the ALPK1 protein (p.Thr908Ser). This variant is not present in population databases (gnomAD no frequency). This variant has not been reported in the literature in individuals affected with ALPK1-related conditions. Advanced modeling of protein sequence and biophysical properties (such as structural, functional, and spatial information, amino acid conservation, physicochemical variation, residue mobility, and thermodynamic stability) performed at Invitae indicates that this missense variant is expected to disrupt ALPK1 protein function with a positive predictive value of 80%. In summary, the available evidence is currently insufficient to determine the role of this variant in disease. Therefore, it has been classified as a Variant of Uncertain Significance.

NM_025144.4(ALPK1):c.2722A>T (p.Thr908Ser)

Gene: ALPK1 (alpha kinase 1; plus strand). Cytogenetic location: 4q25.
Variant type: single nucleotide variant.
Coding change: c.2722A>T on transcript NM_025144.4 (MANE Select); coding-DNA position 2722, A replaced by T.
Protein change: p.Thr908Ser; replaces threonine 908 with serine.
Molecular consequence: missense variant.
Genome position (GRCh38, 1-based): chr4:112,432,269, A>T. VCF-style: chr4-112432269-A-T. GRCh37 (hg19) VCF-style: chr4-113353425-A-T.
Other names: c.2722A>T, p.Thr908Ser (NM_001102406.2); c.2488A>T, p.Thr830Ser (NM_001253884.2); short protein forms T830S, T908S.
Identifiers: ClinVar variation 3635041 (VCV003635041.2).
Genomic context (GRCh38, chr4:112,432,269, plus strand): 5'-CCCAATTCCTCTGTAAGCGGTAACATCCTCTTCCCTGTCCTCAGCGAGGACTGCACTACC[A>T]CAGAGGAAGGAAATCAGCCTGGAAACATGCTAAACTGCAGCCAGAACTCCAGCTCATCCT-3'
Protein context (NP_079420.3, residues 898-918): FPVLSEDCTT[Thr908Ser]EEGNQPGNML